The following is an entry in ClinVar:

NM_004104.5(FASN):c.7366G>A (p.Glu2456Lys)

Gene: FASN (fatty acid synthase; minus strand). Cytogenetic location: 17q25.3.
Variant type: single nucleotide variant.
Coding change: c.7366G>A on transcript NM_004104.5 (MANE Select); coding-DNA position 7366, G replaced by A.
Protein change: p.Glu2456Lys; replaces glutamic acid 2456 with lysine.
Molecular consequence: missense variant.
Genome position (GRCh38, 1-based): chr17:82,079,389, C>T on the plus strand (G>A on the coding strand, the complement: FASN is on the minus strand). VCF-style: chr17-82079389-C-T. GRCh37 (hg19) VCF-style: chr17-80037265-C-T.
Other names: short protein forms E2456K.
Identifiers: ClinVar variation 863147 (VCV000863147.9), dbSNP rs756394843, ClinGen allele CA8851023.

ClinVar aggregate classification (germline): Uncertain significance (1 of 4 stars; one submission).

Conditions:
Epileptic encephalopathy. Identifiers: MedGen C0543888, HP:0200134.

Allele frequency attached by ClinVar (database versions not stated): TOPMed below 0.00001; gnomAD exomes 0.00002; ExAC 0.00003.
gnomAD v4.1: 5 of 1,613,004 alleles (0.00031%); highest among the groups gnomAD compares: East Asian, 0.0045%; no homozygotes.

Submission:

Labcorp Genetics (formerly Invitae), Labcorp
Classification: Uncertain significance for Epileptic encephalopathy. Last evaluated: 2024-10-18. Review status: criteria provided, single submitter. Criteria: Invitae Variant Classification Sherloc (09022015). Collection method: clinical testing. Allele origin: germline.
Comment: This sequence change replaces glutamic acid, which is acidic and polar, with lysine, which is basic and polar, at codon 2456 of the FASN protein (p.Glu2456Lys). This variant is present in population databases (rs756394843, gnomAD 0.02%). This variant has not been reported in the literature in individuals affected with FASN-related conditions. ClinVar contains an entry for this variant (Variation ID: 863147). An algorithm developed to predict the effect of missense changes on protein structure and function (PolyPhen-2) suggests that this variant is likely to be disruptive. In summary, the available evidence is currently insufficient to determine the role of this variant in disease. Therefore, it has been classified as a Variant of Uncertain Significance.